The following is an entry in ClinVar:

ClinVar aggregate classification (germline): Likely benign (1 of 4 stars; one submission).

Submission:

CeGaT Center for Human Genetics Tuebingen
Classification: Likely benign. Last evaluated: 2025-11-01. Review status: criteria provided, single submitter. Criteria: CeGaT Center For Human Genetics Tuebingen Variant Classification Criteria Version 2. Collection method: clinical testing. Allele origin: germline. Affected: yes. Observed: 1 variant allele.
Comment: ACO2: PM2:Supporting, BP4, BP7

NM_001098.3(ACO2):c.2178T>A (p.Ile726=)

Genes: ACO2 (aconitase 2; plus strand), POLR3H (RNA polymerase III subunit H; minus strand). Cytogenetic location: 22q13.2.
Variant type: single nucleotide variant.
Coding change: c.2178T>A on transcript NM_001098.3 (MANE Select); coding-DNA position 2178, T replaced by A.
Protein change: p.Ile726=; no amino-acid change (isoleucine 726 retained).
Molecular consequence: synonymous variant. On other transcripts: 3 prime UTR variant (5).
Genome position (GRCh38, 1-based): chr22:41,527,992, T>A. VCF-style: chr22-41527992-T-A. GRCh37 (hg19) VCF-style: chr22-41923996-T-A.
Other names: c.*1291A>T (NM_001018050.4, NM_001018052.4, NM_001282884.2 and 2 more transcripts).
Identifiers: ClinVar variation 4535153 (VCV004535153.6).
Genomic context (GRCh38, chr22:41,527,992, plus strand): 5'-TCTGACCTTCGCTGACCCGGCTGACTACAACAAGATTCACCCTGTGGACAAGCTGACCAT[T>A]CAGGGCCTGAAGGACTTCACCCCTGGCAAGGTTAGGGGCCCGGGTCCCCCTGAGGTGGTG-3'
Protein context (NP_001089.1, residues 716-736): NKIHPVDKLT[Ile726=]QGLKDFTPGK